The following is an entry in ClinVar:

NM_001042646.3(TRAK1):c.1654C>T (p.Arg552Cys)

Gene: TRAK1 (trafficking kinesin protein 1; plus strand). Cytogenetic location: 3p22.1.
Variant type: single nucleotide variant.
Coding change: c.1654C>T on transcript NM_001042646.3 (MANE Select); coding-DNA position 1654, C replaced by T.
Protein change: p.Arg552Cys; replaces arginine 552 with cysteine.
Molecular consequence: missense variant. On other transcripts: non-coding transcript variant (1).
Genome position (GRCh38, 1-based): chr3:42,202,662, C>T. VCF-style: chr3-42202662-C-T. GRCh37 (hg19) VCF-style: chr3-42244154-C-T.
Other names: c.1654C>T, p.Arg552Cys (NM_001265608.2, NM_001349246.2, NM_001349247.2); c.1432C>T, p.Arg478Cys (NM_001265609.2, NM_001265610.1, NM_001349248.1 and 1 more transcripts); c.1342C>T, p.Arg448Cys (NM_001349245.1); c.1480C>T, p.Arg494Cys (NM_001410741.1, NM_014965.5); c.1654C>T (NM_001042646.1); short protein forms R552C, R478C, R494C, R448C.
Identifiers: ClinVar variation 1917659 (VCV001917659.4), dbSNP rs530695420, ClinGen allele CA2333544.

ClinVar aggregate classification (germline): Uncertain significance. Review status: criteria provided, multiple submitters, no conflicts (2 of 4 stars). 2 submissions from 2 submitters: Uncertain significance (2). Last evaluated 2025-12-04.

Conditions:
Inborn genetic diseases. Identifiers: MedGen C0950123, MeSH D030342.

Allele frequency attached by ClinVar (database versions not stated): 1000 Genomes Project 30x 0.00016; ExAC 0.00003; 1000 Genomes Project 0.00020.
gnomAD v4.1: 29 of 1,613,450 alleles (0.0018%); highest among the groups gnomAD compares: Middle Eastern, 0.017%; no homozygotes.

Submissions (2):

Ambry Genetics
Classification: Uncertain significance for Inborn genetic diseases. Last evaluated: 2025-12-04. Review status: criteria provided, single submitter. Criteria: Ambry Variant Classification Scheme 2023. Collection method: clinical testing. Allele origin: germline.

Labcorp Genetics (formerly Invitae), Labcorp
Classification: Uncertain significance. Last evaluated: 2023-03-10. Review status: criteria provided, single submitter. Criteria: Invitae Variant Classification Sherloc (09022015). Collection method: clinical testing. Allele origin: germline.
Comment: This sequence change replaces arginine, which is basic and polar, with cysteine, which is neutral and slightly polar, at codon 552 of the TRAK1 protein (p.Arg552Cys). This variant is present in population databases (rs530695420, gnomAD 0.03%). In summary, the available evidence is currently insufficient to determine the role of this variant in disease. Therefore, it has been classified as a Variant of Uncertain Significance. An algorithm developed to predict the effect of missense changes on protein structure and function (PolyPhen-2) suggests that this variant is likely to be disruptive. ClinVar contains an entry for this variant (Variation ID: 1917659). This variant has not been reported in the literature in individuals affected with TRAK1-related conditions.